The following is an entry in ClinVar:

NM_001367624.2(ZNF469):c.10914C>A (p.Phe3638Leu)

Gene: ZNF469 (zinc finger protein 469; plus strand). Cytogenetic location: 16q24.2.
Variant type: single nucleotide variant.
Coding change: c.10914C>A on transcript NM_001367624.2 (MANE Select); coding-DNA position 10914, C replaced by A.
Protein change: p.Phe3638Leu; replaces phenylalanine 3638 with leucine.
Molecular consequence: missense variant.
Genome position (GRCh38, 1-based): chr16:88,438,384, C>A. VCF-style: chr16-88438384-C-A. GRCh37 (hg19) VCF-style: chr16-88504792-C-A.
Other names: NM_001127464.2:c.10830C>A; short protein forms F3638L.
Identifiers: ClinVar variation 4995433 (VCV004995433.1).

ClinVar aggregate classification (germline): Uncertain significance (1 of 4 stars; one submission).

Conditions:
ZNF469-related disorder. Also called: ZNF469-related condition.

Submission:

PreventionGenetics, part of Exact Sciences
Classification: Uncertain significance for ZNF469-related condition. Last evaluated: 2026-07-02. Review status: criteria provided, single submitter. Criteria: ACMG Guidelines, 2015. Collection method: clinical testing. Allele origin: germline.
Comment: The ZNF469 c.10830C>A variant is predicted to result in the amino acid substitution p.Phe3610Leu. To our knowledge, this variant has not been reported in the literature. This variant is absent in a large population database (gnomAD), indicating this variant is rare. At this time, the clinical significance of this variant is uncertain due to the absence of conclusive functional and genetic evidence.